The following is an entry in ClinVar:

ClinVar aggregate classification (germline): Uncertain significance (1 of 4 stars; one submission).

Allele frequency attached by ClinVar (database versions not stated): gnomAD 0.00001.

Submission:

Labcorp Genetics (formerly Invitae), Labcorp
Classification: Uncertain significance. Last evaluated: 2022-04-08. Review status: criteria provided, single submitter. Criteria: Invitae Variant Classification Sherloc (09022015). Collection method: clinical testing. Allele origin: germline.
Comment: In summary, the available evidence is currently insufficient to determine the role of this variant in disease. Therefore, it has been classified as a Variant of Uncertain Significance. Algorithms developed to predict the effect of missense changes on protein structure and function are either unavailable or do not agree on the potential impact of this missense change (SIFT: "Tolerated"; PolyPhen-2: "Possibly Damaging"; Align-GVGD: "Class C0"). This variant has not been reported in the literature in individuals affected with MCM3AP-related conditions. This variant is not present in population databases (gnomAD no frequency). This sequence change replaces glycine, which is neutral and non-polar, with valine, which is neutral and non-polar, at codon 1128 of the MCM3AP protein (p.Gly1128Val).

NM_003906.5(MCM3AP):c.3383G>T (p.Gly1128Val)

Gene: MCM3AP (minichromosome maintenance complex component 3 associated protein; minus strand). Cytogenetic location: 21q22.3.
Variant type: single nucleotide variant.
Coding change: c.3383G>T on transcript NM_003906.5 (MANE Select); coding-DNA position 3383, G replaced by T.
Protein change: p.Gly1128Val; replaces glycine 1128 with valine.
Molecular consequence: missense variant.
Genome position (GRCh38, 1-based): chr21:46,261,364, C>A on the plus strand (G>T on the coding strand, the complement: MCM3AP is on the minus strand). VCF-style: chr21-46261364-C-A. GRCh37 (hg19) VCF-style: chr21-47681278-C-A.
Other names: short protein forms G1128V.
Identifiers: ClinVar variation 1961462 (VCV001961462.5), dbSNP rs2081038956, ClinGen allele CA410556054.